The following is an entry in ClinVar:

NM_001458.5(FLNC):c.5506A>C (p.Met1836Leu)

Genes: FLNC (filamin C; plus strand), FLNC-AS1 (FLNC antisense RNA 1; minus strand). Cytogenetic location: 7q32.1.
Variant type: single nucleotide variant.
Coding change: c.5506A>C on transcript NM_001458.5 (MANE Select); coding-DNA position 5506, A replaced by C.
Protein change: p.Met1836Leu; replaces methionine 1836 with leucine.
Molecular consequence: missense variant.
Genome position (GRCh38, 1-based): chr7:128,850,910, A>C. VCF-style: chr7-128850910-A-C. GRCh37 (hg19) VCF-style: chr7-128490964-A-C.
Other names: c.5407A>C, p.Met1803Leu (NM_001127487.2); short protein forms M1836L, M1803L.
Identifiers: ClinVar variation 836147 (VCV000836147.12), dbSNP rs1808780678, ClinGen allele CA369206935.
Genomic context (GRCh38, chr7:128,850,910, plus strand): 5'-GACAACAAGGACGGCACCATCACGGTGAGGTATGCACCCACTGAGAAAGGCCTGCACCAG[A>C]TGGGGATCAAGTATGACGGCAACCACATCCCTGGTGAGTTAGGGGCTGGGCTGGGCTGGG-3'
Protein context (NP_001449.3, residues 1826-1846): YAPTEKGLHQ[Met1836Leu]GIKYDGNHIP

ClinVar aggregate classification (germline): Uncertain significance. Review status: criteria provided, multiple submitters, no conflicts (2 of 4 stars). 2 submissions from 2 submitters: Uncertain significance (2). Last evaluated 2024-08-20.

Conditions:
Cardiovascular phenotype. Identifiers: MedGen CN230736.
Myofibrillar myopathy 5. Also called: FILAMINOPATHY, AUTOSOMAL DOMINANT; Filaminopathy (type). Identifiers: Orphanet 171445, MedGen C1836050, MONDO:0012289, OMIM 609524.
Distal myopathy with posterior leg and anterior hand involvement. Also called: WILLIAMS DISTAL MYOPATHY. Identifiers: Orphanet 63273, MedGen C3279722, MONDO:0013550, OMIM 614065.
Hypertrophic cardiomyopathy 26. Also called: Cardiomyopathy, familial hypertrophic, 26. Identifiers: Orphanet 75249, MedGen C4310749, MONDO:0014883, OMIM 617047.

Submissions (2):

Labcorp Genetics (formerly Invitae), Labcorp
Classification: Uncertain significance for Distal myopathy with posterior leg and anterior hand involvement; Myofibrillar myopathy 5; Hypertrophic cardiomyopathy 26. Last evaluated: 2024-08-20. Review status: criteria provided, single submitter. Criteria: Invitae Variant Classification Sherloc (09022015). Collection method: clinical testing. Allele origin: germline.
Comment: This sequence change replaces methionine, which is neutral and non-polar, with leucine, which is neutral and non-polar, at codon 1836 of the FLNC protein (p.Met1836Leu). This variant is not present in population databases (gnomAD no frequency). This variant has not been reported in the literature in individuals affected with FLNC-related conditions. ClinVar contains an entry for this variant (Variation ID: 836147). Invitae Evidence Modeling of protein sequence and biophysical properties (such as structural, functional, and spatial information, amino acid conservation, physicochemical variation, residue mobility, and thermodynamic stability) has been performed for this missense variant. However, the output from this modeling did not meet the statistical confidence thresholds required to predict the impact of this variant on FLNC protein function. In summary, the available evidence is currently insufficient to determine the role of this variant in disease. Therefore, it has been classified as a Variant of Uncertain Significance.

Ambry Genetics
Classification: Uncertain significance for Cardiovascular phenotype. Last evaluated: 2023-06-25. Review status: criteria provided, single submitter. Criteria: Ambry Variant Classification Scheme 2023. Collection method: clinical testing. Allele origin: germline.
Comment: The p.M1836L variant (also known as c.5506A>C), located in coding exon 33 of the FLNC gene, results from an A to C substitution at nucleotide position 5506. The methionine at codon 1836 is replaced by leucine, an amino acid with highly similar properties. This amino acid position is conserved. In addition, the in silico prediction for this alteration is inconclusive. Since supporting evidence is limited at this time, the clinical significance of this alteration remains unclear.